The following is an entry in ClinVar:

NM_000057.4(BLM):c.1490A>G (p.Gln497Arg)

Gene: BLM (BLM RecQ like helicase; plus strand). Cytogenetic location: 15q26.1.
Variant type: single nucleotide variant.
Coding change: c.1490A>G on transcript NM_000057.4 (MANE Select); coding-DNA position 1490, A replaced by G.
Protein change: p.Gln497Arg; replaces glutamine 497 with arginine.
Molecular consequence: missense variant.
Genome position (GRCh38, 1-based): chr15:90,760,863, A>G. VCF-style: chr15-90760863-A-G. GRCh37 (hg19) VCF-style: chr15-91304093-A-G.
Other names: p.Gln497Arg; c.1490A>G, p.Gln497Arg (NM_001287246.2, NM_001287247.2); c.365A>G, p.Gln122Arg (NM_001287248.2); short protein forms Q497R, Q122R.
Identifiers: ClinVar variation 573915 (VCV000573915.22), dbSNP rs368547042, ClinGen allele CA7738544.

ClinVar aggregate classification (germline): Conflicting classifications of pathogenicity. Review status: criteria provided, conflicting classifications (1 of 4 stars). 6 submissions from 6 submitters: Uncertain significance (3); Benign (1); Likely benign (1). 1 of the submissions does not count toward it. Last evaluated 2025-10-19.

Conditions:
Bloom syndrome (BLM). Also called: Bloom-Torre-Machacek syndrome. Identifiers: Orphanet 125, MedGen C0005859, MONDO:0008876, OMIM 210900.
Hereditary cancer-predisposing syndrome. Also called: Neoplastic Syndromes, Hereditary; Hereditary Cancer Syndrome; Tumor predisposition; Hereditary neoplastic syndrome. Identifiers: Orphanet 140162, MedGen C0027672, MeSH D009386, MONDO:0015356.

Allele frequency attached by ClinVar (database versions not stated): gnomAD 0.00001; TOPMed 0.00001.
gnomAD v4.1: 30 of 1,614,010 alleles (0.0019%); highest among the groups gnomAD compares: Middle Eastern, 0.2%; 1 homozygote.

Submissions (6):

Labcorp Genetics (formerly Invitae), Labcorp
Classification: Benign for Bloom syndrome. Last evaluated: 2025-10-19. Review status: criteria provided, single submitter. Criteria: Invitae Variant Classification Sherloc (09022015). Collection method: clinical testing. Allele origin: germline.

Mayo Clinic Laboratories, Mayo Clinic
Classification: Likely benign. Last evaluated: 2025-05-14. Review status: criteria provided, single submitter. Criteria: ACMG Guidelines, 2015. Collection method: clinical testing. Allele origin: germline. Observed: 3 variant alleles.
Comment: BS1, BP4

Fulgent Genetics
Classification: Uncertain significance for Bloom syndrome. Last evaluated: 2024-02-07. Review status: criteria provided, single submitter. Criteria: ACMG Guidelines, 2015. Collection method: clinical testing. Allele origin: germline.

Ambry Genetics
Classification: Uncertain significance for Hereditary cancer-predisposing syndrome. Last evaluated: 2023-01-30. Review status: criteria provided, single submitter. Criteria: Ambry Variant Classification Scheme 2023. Collection method: clinical testing. Allele origin: germline.
Comment: The p.Q497R variant (also known as c.1490A>G), located in coding exon 6 of the BLM gene, results from an A to G substitution at nucleotide position 1490. The glutamine at codon 497 is replaced by arginine, an amino acid with highly similar properties. This amino acid position is not well conserved in available vertebrate species. In addition, this alteration is predicted to be tolerated by in silico analysis. Since supporting evidence is limited at this time, the clinical significance of this alteration remains unclear.

Baylor Genetics
Classification: Uncertain significance for Bloom syndrome. Last evaluated: 2020-01-27. Review status: criteria provided, single submitter. Criteria: ACMG Guidelines, 2015. Collection method: clinical testing. Allele origin: unknown. Affected: yes.
Comment: This variant was determined to be of uncertain significance according to ACMG Guidelines, 2015 [PMID:25741868].

Natera, Inc.
Classification: Uncertain significance for Bloom syndrome. Last evaluated: 2018-12-17. Review status: no assertion criteria provided. Collection method: clinical testing. Allele origin: germline. Not counted in ClinVar's aggregate classification.